The following is an entry in ClinVar:

ClinVar aggregate classification (germline): Likely benign. Review status: criteria provided, single submitter (1 of 4 stars). 2 submissions from 2 submitters: Likely benign (1). 1 of the submissions does not count toward it. Last evaluated 2025-11-03.

Conditions:
CREBBP-related disorder. Also called: CREBBP-related disorders; CREBBP-related condition.
Rubinstein-Taybi syndrome (RSTS). Identifiers: Orphanet 783, MedGen C0035934, MONDO:0019188.

Allele frequency attached by ClinVar (database versions not stated): TOPMed below 0.00001; gnomAD exomes 0.00001.
gnomAD v4.1: 3 of 1,614,204 alleles (0.00019%); highest among the groups gnomAD compares: Admixed American, 0.005%; no homozygotes.

Submissions (2):

Labcorp Genetics (formerly Invitae), Labcorp
Classification: Likely benign for Rubinstein-Taybi syndrome. Last evaluated: 2025-11-03. Review status: criteria provided, single submitter. Criteria: Invitae Variant Classification Sherloc (09022015). Collection method: clinical testing. Allele origin: germline.

PreventionGenetics, part of Exact Sciences
Classification: Uncertain significance for CREBBP-related condition. Last evaluated: 2024-05-30. Review status: no assertion criteria provided. Collection method: clinical testing. Allele origin: germline. Not counted in ClinVar's aggregate classification.
Comment: The CREBBP c.4735C>G variant is predicted to result in the amino acid substitution p.Gln1579Glu. To our knowledge, this variant has not been reported in the literature. This variant is reported in 0.0058% of alleles in individuals of Latino descent in gnomAD. At this time, the clinical significance of this variant is uncertain due to the absence of conclusive functional and genetic evidence.

NM_004380.3(CREBBP):c.4735C>G (p.Gln1579Glu)

Gene: CREBBP (CREB binding lysine acetyltransferase; minus strand). Cytogenetic location: 16p13.3.
Variant type: single nucleotide variant.
Coding change: c.4735C>G on transcript NM_004380.3 (MANE Select); coding-DNA position 4735, C replaced by G.
Protein change: p.Gln1579Glu; replaces glutamine 1579 with glutamic acid.
Molecular consequence: missense variant.
Genome position (GRCh38, 1-based): chr16:3,731,931, G>C on the plus strand (C>G on the coding strand, the complement: CREBBP is on the minus strand). VCF-style: chr16-3731931-G-C. GRCh37 (hg19) VCF-style: chr16-3781932-G-C.
Other names: c.4621C>G, p.Gln1541Glu (NM_001079846.1); c.4735C>G (NM_004380.2); short protein forms Q1579E, Q1541E.
Identifiers: ClinVar variation 1519110 (VCV001519110.9), dbSNP rs746079826, ClinGen allele CA7869431.